The following is an entry in ClinVar:

NM_001278512.2(AP3B2):c.2387C>T (p.Ser796Leu)

Genes: AP3B2 (adaptor related protein complex 3 subunit beta 2; minus strand), CPEB1-AS1 (CPEB1 antisense RNA 1; plus strand). Cytogenetic location: 15q25.2.
Variant type: single nucleotide variant.
Coding change: c.2387C>T on transcript NM_001278512.2 (MANE Select); coding-DNA position 2387, C replaced by T.
Protein change: p.Ser796Leu; replaces serine 796 with leucine.
Molecular consequence: missense variant.
Genome position (GRCh38, 1-based): chr15:82,663,850, G>A on the plus strand (C>T on the coding strand, the complement: AP3B2 is on the minus strand). VCF-style: chr15-82663850-G-A. GRCh37 (hg19) VCF-style: chr15-83332602-G-A.
Other names: c.2234C>T, p.Ser745Leu (NM_001278511.2); c.2330C>T, p.Ser777Leu (NM_004644.5); short protein forms S777L, S796L, S745L.
Identifiers: ClinVar variation 1975757 (VCV001975757.2), dbSNP rs374430091, ClinGen allele CA7699936.
Genomic context (GRCh38, chr15:82,663,850, plus strand): 5'-AAGGCTCTCACTGTTTTCCTGCTCCAGGAGGCAGGTTCTAACTGCTCCTCCTCGGACTCC[G>A]ATGTCATCTCGGACTCTGATGAGCTACTGCTGGAATCGCTGCCCTCATCAGAGGATGACG-3'
Protein context (NP_001265441.1, residues 786-806): SSSSSESEMT[Ser796Leu]ESEEEQLEPA

ClinVar aggregate classification (germline): Uncertain significance (1 of 4 stars; one submission).

Allele frequency attached by ClinVar (database versions not stated): TOPMed below 0.00001; gnomAD 0.00001; gnomAD exomes 0.00001; ExAC 0.00002; ESP Exome Variant Server 0.00008.
gnomAD v4.1: 23 of 1,613,774 alleles (0.0014%); highest among the groups gnomAD compares: African/African-American, 0.004%; no homozygotes.

Submission:

Labcorp Genetics (formerly Invitae), Labcorp
Classification: Uncertain significance. Last evaluated: 2022-02-11. Review status: criteria provided, single submitter. Criteria: Invitae Variant Classification Sherloc (09022015). Collection method: clinical testing. Allele origin: germline.
Comment: This sequence change replaces serine, which is neutral and polar, with leucine, which is neutral and non-polar, at codon 777 of the AP3B2 protein (p.Ser777Leu). This variant is present in population databases (rs374430091, gnomAD 0.002%). This variant has not been reported in the literature in individuals affected with AP3B2-related conditions. Algorithms developed to predict the effect of missense changes on protein structure and function (SIFT, PolyPhen-2, Align-GVGD) all suggest that this variant is likely to be tolerated. In summary, the available evidence is currently insufficient to determine the role of this variant in disease. Therefore, it has been classified as a Variant of Uncertain Significance.